The following is an entry in ClinVar:

ClinVar aggregate classification (germline): Benign. Review status: criteria provided, single submitter (1 of 4 stars). 2 submissions from 2 submitters: Benign (1). 1 of the submissions does not count toward it. Last evaluated 2026-01-24.

Conditions:
AIMP2-related disorder. Also called: AIMP2-related condition.

Allele frequency attached by ClinVar (database versions not stated): gnomAD exomes 0.00285 and 0.00699; ExAC 0.00802; gnomAD 0.02545 and 0.02731; 1000 Genomes Project 30x 0.02717; 1000 Genomes Project 0.02756; ESP Exome Variant Server 0.02791; TOPMed 0.02919.
gnomAD v4.1: 8,276 of 1,613,970 alleles (0.51%); highest among the groups gnomAD compares: African/African-American, 9%; 320 homozygotes.

Submissions (2):

Labcorp Genetics (formerly Invitae), Labcorp
Classification: Benign. Last evaluated: 2026-01-24. Review status: criteria provided, single submitter. Criteria: Invitae Variant Classification Sherloc (09022015). Collection method: clinical testing. Allele origin: germline.

PreventionGenetics, part of Exact Sciences
Classification: Benign for AIMP2-related condition. Last evaluated: 2019-09-11. Review status: no assertion criteria provided. Collection method: clinical testing. Allele origin: germline. Not counted in ClinVar's aggregate classification.
Comment: This variant is classified as benign based on ACMG/AMP sequence variant interpretation guidelines (Richards et al. 2015 PMID: 25741868, with internal and published modifications).

NM_006303.4(AIMP2):c.496C>A (p.Leu166Ile)

Gene: AIMP2 (aminoacyl tRNA synthetase complex interacting multifunctional protein 2; plus strand). Cytogenetic location: 7p22.1.
Variant type: single nucleotide variant.
Coding change: c.496C>A on transcript NM_006303.4 (MANE Select); coding-DNA position 496, C replaced by A.
Protein change: p.Leu166Ile; replaces leucine 166 with isoleucine.
Molecular consequence: missense variant.
Genome position (GRCh38, 1-based): chr7:6,017,967, C>A. VCF-style: chr7-6017967-C-A. GRCh37 (hg19) VCF-style: chr7-6057598-C-A.
Other names: c.376C>A, p.Leu126Ile (NM_001326606.2); c.289C>A, p.Leu97Ile (NM_001326607.2); c.262C>A, p.Leu88Ile (NM_001326609.2, NM_001326610.2, NM_001326611.3); c.409C>A, p.Leu137Ile (NM_001362785.2); c.364C>A, p.Leu122Ile (NM_001362787.2); short protein forms L122I, L166I, L97I, L126I, L137I, L88I.
Identifiers: ClinVar variation 783760 (VCV000783760.13), dbSNP rs34525431, ClinGen allele CA4150372.